The following is an entry in ClinVar:

ClinVar aggregate classification (germline): Uncertain significance. Review status: criteria provided, multiple submitters, no conflicts (2 of 4 stars). 5 submissions from 5 submitters: Uncertain significance (5). Last evaluated 2025-06-20.

Conditions:
Inborn genetic diseases. Identifiers: MedGen C0950123, MeSH D030342.
Infantile neuroaxonal dystrophy (NBIA2A). Also called: SEITELBERGER DISEASE; Infantile neuroaxonal dystrophy 1; NEURODEGENERATION WITH BRAIN IRON ACCUMULATION 2A. Identifiers: Orphanet 35069, MedGen C0270724, MONDO:0024457, OMIM 256600.

Allele frequency attached by ClinVar (database versions not stated): gnomAD 0.00002; ExAC 0.00004; gnomAD exomes 0.00004; TOPMed 0.00004.
gnomAD v4.1: 73 of 1,608,732 alleles (0.0045%); highest among the groups gnomAD compares: Non-Finnish European, 0.0054%; no homozygotes.

Submissions (5):

Labcorp Genetics (formerly Invitae), Labcorp
Classification: Uncertain significance for Infantile neuroaxonal dystrophy. Last evaluated: 2025-06-20. Review status: criteria provided, single submitter. Criteria: Invitae Variant Classification Sherloc (09022015). Collection method: clinical testing. Allele origin: germline.
Comment: This sequence change replaces alanine, which is neutral and non-polar, with valine, which is neutral and non-polar, at codon 268 of the PLA2G6 protein (p.Ala268Val). This variant is present in population databases (rs762715738, gnomAD 0.007%). This variant has not been reported in the literature in individuals affected with PLA2G6-related conditions. ClinVar contains an entry for this variant (Variation ID: 623992). Invitae Evidence Modeling of protein sequence and biophysical properties (such as structural, functional, and spatial information, amino acid conservation, physicochemical variation, residue mobility, and thermodynamic stability) indicates that this missense variant is not expected to disrupt PLA2G6 protein function with a negative predictive value of 80%. In summary, the available evidence is currently insufficient to determine the role of this variant in disease. Therefore, it has been classified as a Variant of Uncertain Significance.

GeneDx
Classification: Uncertain significance. Last evaluated: 2025-03-18. Review status: criteria provided, single submitter. Criteria: GeneDx Variant Classification Process June 2021. Collection method: clinical testing. Allele origin: germline. Affected: yes.
Comment: Not observed at significant frequency in large population cohorts (gnomAD); In silico analysis indicates that this missense variant does not alter protein structure/function; Has not been previously published as pathogenic or benign to our knowledge

Mayo Clinic Laboratories, Mayo Clinic
Classification: Uncertain significance. Last evaluated: 2023-08-10. Review status: criteria provided, single submitter. Criteria: ACMG Guidelines, 2015. Collection method: clinical testing. Allele origin: germline. Observed: 1 variant allele.
Comment: BP4, PM2_moderate

Ambry Genetics
Classification: Uncertain significance for Inborn genetic diseases. Last evaluated: 2023-06-01. Review status: criteria provided, single submitter. Criteria: Ambry Variant Classification Scheme 2023. Collection method: clinical testing. Allele origin: germline.

CeGaT Center for Human Genetics Tuebingen
Classification: Uncertain significance. Last evaluated: 2018-07-01. Review status: criteria provided, single submitter. Criteria: CeGaT Center For Human Genetics Tuebingen Variant Classification Criteria Version 2. Collection method: clinical testing. Allele origin: germline. Affected: yes. Observed: 1 variant allele.

NM_003560.4(PLA2G6):c.803C>T (p.Ala268Val)

Gene: PLA2G6 (phospholipase A2 group VI; minus strand). Cytogenetic location: 22q13.1.
Variant type: single nucleotide variant.
Coding change: c.803C>T on transcript NM_003560.4 (MANE Select); coding-DNA position 803, C replaced by T.
Protein change: p.Ala268Val; replaces alanine 268 with valine.
Molecular consequence: missense variant.
Genome position (GRCh38, 1-based): chr22:38,135,079, G>A on the plus strand (C>T on the coding strand, the complement: PLA2G6 is on the minus strand). VCF-style: chr22-38135079-G-A. GRCh37 (hg19) VCF-style: chr22-38531086-G-A.
Other names: p.Ala268Val; c.803C>T, p.Ala268Val (NM_001004426.3, NM_001199562.3, NM_001349864.2 and 2 more transcripts); c.269C>T, p.Ala90Val (NM_001349867.2, NM_001349869.2); c.125C>T, p.Ala42Val (NM_001349868.2); short protein forms A268V, A42V, A90V.
Identifiers: ClinVar variation 623992 (VCV000623992.51), dbSNP rs762715738, ClinGen allele CA10231133.